The following is an entry in ClinVar:

NM_000059.4(BRCA2):c.316+797_476-24del

Gene: BRCA2 (BRCA2 DNA repair associated; plus strand). Cytogenetic location: 13q13.1.
Variant type: Deletion.
Coding change: c.316+797_476-24del on transcript NM_000059.4 (MANE Select); 797 bases into the intron after coding-DNA position 316 through 24 bases into the intron before coding-DNA position 476, 6,097 bases deleted.
Molecular consequence: splice acceptor variant, splice donor variant.
Genome position (GRCh38, 1-based): chr13:32,320,122-32,326,218, 6,097 bases deleted. GRCh37 (hg19): chr13:32,894,259-32,900,355.
Identifiers: ClinVar variation 2430261 (VCV002430261.1), ClinGen allele CA2580086907.

ClinVar aggregate classification (germline): Likely pathogenic (1 of 4 stars; one submission).

Conditions:
Breast-ovarian cancer, familial, susceptibility to, 2 (BROVCA2). Also called: BRCA2 Hereditary Breast and Ovarian Cancer. Identifiers: Orphanet 145, MedGen C2675520, MONDO:0012933, OMIM 612555. Disease mechanism: loss of function.

Submission:

Institute of Human Genetics, University of Leipzig Medical Center
Classification: Likely pathogenic for Breast-ovarian cancer, familial, susceptibility to, 2. Last evaluated: 2023-01-10. Review status: criteria provided, single submitter. Criteria: ACMG Guidelines, 2015. Collection method: clinical testing. Allele origin: unknown.
Comment: _x000D_Exon 4-5 Deletion. Criteria applied: PM4_STR, PS4_MOD, PM2_SUP